The following is an entry in ClinVar:

ClinVar aggregate classification (germline): Conflicting classifications of pathogenicity. Review status: criteria provided, conflicting classifications (1 of 4 stars). 4 submissions from 4 submitters: Likely pathogenic (2); Uncertain significance (1). 1 of the submissions does not count toward it. Last evaluated 2025-04-08.

Conditions:
Rare genetic deafness. Identifiers: Orphanet 96210, MedGen C5680250.
Autosomal recessive nonsyndromic hearing loss 9. Also called: OTOF-Related Hearing Loss; Deafness, autosomal recessive 9; NEUROSENSORY NONSYNDROMIC RECESSIVE DEAFNESS 9; AUDITORY NEUROPATHY, AUTOSOMAL RECESSIVE, 1, TEMPERATURE-SENSITIVE. Identifiers: Orphanet 90636, MedGen C1832828, MONDO:0010986, OMIM 601071.

Submissions (4):

Labcorp Genetics (formerly Invitae), Labcorp
Classification: Uncertain significance. Last evaluated: 2025-04-08. Review status: criteria provided, single submitter. Criteria: Invitae Variant Classification Sherloc (09022015). Collection method: clinical testing. Allele origin: germline.
Comment: This variant, c.5410_5412del, results in the deletion of 1 amino acid(s) of the OTOF protein (p.Glu1804del), but otherwise preserves the integrity of the reading frame. This variant is not present in population databases (gnomAD no frequency). This variant has been observed in individual(s) with clinical features of OTOF-related conditions (PMID: 20230791). It has also been observed to segregate with disease in related individuals. Experimental studies and prediction algorithms are not available or were not evaluated, and the functional significance of this variant is currently unknown. In summary, the available evidence is currently insufficient to determine the role of this variant in disease. Therefore, it has been classified as a Variant of Uncertain Significance.

GeneDx
Classification: Likely pathogenic. Last evaluated: 2024-01-10. Review status: criteria provided, single submitter. Criteria: GeneDx Variant Classification Process June 2021. Collection method: clinical testing. Allele origin: germline. Affected: yes.
Comment: In-frame deletion of one amino acid in a non-repeat region; Not observed in large population cohorts (gnomAD); In silico analysis supports a deleterious effect on protein structure/function; This variant is associated with the following publications: (PMID: 33256196, 36837553, 34692690, 37679651, 20230791)

Laboratory for Molecular Medicine, Mass General Brigham Personalized Medicine
Classification: Likely pathogenic for Rare genetic deafness. Last evaluated: 2014-07-03. Review status: criteria provided, single submitter. Criteria: LMM Criteria. Collection method: clinical testing. Allele origin: germline. Inheritance: Autosomal recessive inheritance. Observed: 2 variant alleles.
Comment: The Glu1804del variant in OTOF has been reported in 3 siblings with temperature- sensitive auditory neuropathy (Marlin 2010). All three affected siblings were ho mozygous and their unaffected parents were heterozygous for this variant. It has not been id entified in large population studies. This variant causes an in-frame deletion o f a glutamate (Glu) at position 1804, which is highly conserved in mammals and e volutionary distant species, suggesting that a change at this position may not b e tolerated, though this information is not predictive enough to determine patho genicity. In summary, although additional studies are required to fully establi sh its clinical significance, this variant is likely pathogenic.

GeneReviews
No classification provided. Condition: Autosomal recessive nonsyndromic hearing loss 9. Review status: no classification provided. Collection method: literature only. Allele origin: germline. Affected: yes. Not counted in ClinVar's aggregate classification.

Literature cited by the submitters: PubMed 20230791 (cited by 3 submitters); NCBI Bookshelf NBK1251 (cited by GeneReviews).

NM_194248.3(OTOF):c.5407GAG[1] (p.Glu1804del)

Gene: OTOF (otoferlin; minus strand). Cytogenetic location: 2p23.3.
Variant type: Microsatellite.
Coding change: c.5407GAG[1] on transcript NM_194248.3 (MANE Select); one copy of the 3-base unit GAG starting at c.5407; the reference has two copies in a row; one copy, 3 bases deleted.
Protein change: p.Glu1804del; deletes glutamic acid 1804.
Molecular consequence: inframe deletion.
Genome position (GRCh38, 1-based): chr2:26,461,817-26,461,819, CTC deleted on the plus strand (GAG on the coding strand, the reverse complement: OTOF is on the minus strand); deleting any 3 consecutive bases within chr2:26,461,817-26,461,823 gives the same sequence; the position shown is the placement nearest the transcript's 3' end. VCF-style (leftmost placement, unchanged base first): chr2-26461816-TCTC-T. GRCh37 (hg19) VCF-style: chr2-26684684-TCTC-T.
Other names: c.5407GAG[1], p.Glu1804del (NM_001287489.2); c.3106GAG[1], p.Glu1037del (NM_004802.4, NM_194323.3); c.3337GAG[1], p.Glu1114del (NM_194322.3); c.5410_5412del (NM_001287489.2); short protein forms E1804del, E1114del, E1037del.
Identifiers: ClinVar variation 65810 (VCV000065810.10), dbSNP rs397515607, ClinGen allele CA345137.